The following is an entry in ClinVar:

ClinVar aggregate classification (germline): Uncertain significance (1 of 4 stars; one submission).

Conditions:
Early-infantile DEE. Also called: Ohtahara syndrome; Early infantile epileptic encephalopathy with suppression bursts; Early infantile epileptic encephalopathy. Identifiers: Orphanet 1934, MedGen C0393706, MONDO:0800491.

Submission:

Labcorp Genetics (formerly Invitae), Labcorp
Classification: Uncertain significance for Early-infantile DEE. Last evaluated: 2022-02-10. Review status: criteria provided, single submitter. Criteria: Invitae Variant Classification Sherloc (09022015). Collection method: clinical testing. Allele origin: germline.
Comment: This sequence change creates a premature translational stop signal (p.Pro243Argfs*93) in the ARHGEF15 gene. It is expected to result in an absent or disrupted protein product. However, the current clinical and genetic evidence is not sufficient to establish whether loss-of-function variants in ARHGEF15 cause disease. This variant is not present in population databases (gnomAD no frequency). This variant has not been reported in the literature in individuals affected with ARHGEF15-related conditions. ClinVar contains an entry for this variant (Variation ID: 1005409). In summary, the available evidence is currently insufficient to determine the role of this variant in disease. Therefore, it has been classified as a Variant of Uncertain Significance.

NM_173728.4(ARHGEF15):c.728del (p.Pro243fs)

Gene: ARHGEF15 (Rho guanine nucleotide exchange factor 15; plus strand). Cytogenetic location: 17p13.1.
Variant type: Deletion.
Coding change: c.728del on transcript NM_173728.4 (MANE Select); coding-DNA position 728, one base deleted (C; older notation c.728delC).
Protein change: p.Pro243fs; shifts the reading frame from proline 243.
Molecular consequence: frameshift variant.
Genome position (GRCh38, 1-based): chr17:8,313,048, C deleted; the last of 4 consecutive C bases (chr17:8,313,045-8,313,048); deleting any one gives the same sequence. VCF-style (leftmost placement, unchanged base first): chr17-8313044-TC-T. GRCh37 (hg19) VCF-style: chr17-8216362-TC-T.
Other names: c.728del, p.Pro243fs (NM_025014.2); short protein forms P243fs.
Identifiers: ClinVar variation 1005409 (VCV001005409.7), dbSNP rs1904759489, ClinGen allele CA2246258125.